The following is an entry in ClinVar:

ClinVar aggregate classification (germline): Uncertain significance (1 of 4 stars; one submission).

gnomAD v4.1: 11 of 1,595,046 alleles (0.00069%); highest among the groups gnomAD compares: Admixed American, 0.0018%; no homozygotes.

Submission:

Labcorp Genetics (formerly Invitae), Labcorp
Classification: Uncertain significance. Last evaluated: 2022-05-07. Review status: criteria provided, single submitter. Criteria: Invitae Variant Classification Sherloc (09022015). Collection method: clinical testing. Allele origin: germline.
Comment: This sequence change replaces glycine, which is neutral and non-polar, with alanine, which is neutral and non-polar, at codon 3022 of the CPLANE1 protein (p.Gly3022Ala). This variant is not present in population databases (gnomAD no frequency). This variant has not been reported in the literature in individuals affected with CPLANE1-related conditions. Advanced modeling of protein sequence and biophysical properties (such as structural, functional, and spatial information, amino acid conservation, physicochemical variation, residue mobility, and thermodynamic stability) performed at Invitae indicates that this missense variant is not expected to disrupt CPLANE1 protein function. In summary, the available evidence is currently insufficient to determine the role of this variant in disease. Therefore, it has been classified as a Variant of Uncertain Significance.

NM_001384732.1(CPLANE1):c.9227G>C (p.Gly3076Ala)

Gene: CPLANE1 (ciliogenesis and planar polarity effector complex subunit 1; minus strand). Cytogenetic location: 5p13.2.
Variant type: single nucleotide variant.
Coding change: c.9227G>C on transcript NM_001384732.1 (MANE Select); coding-DNA position 9227, G replaced by C.
Protein change: p.Gly3076Ala; replaces glycine 3076 with alanine.
Molecular consequence: missense variant.
Genome position (GRCh38, 1-based): chr5:37,120,299, C>G on the plus strand (G>C on the coding strand, the complement: CPLANE1 is on the minus strand). VCF-style: chr5-37120299-C-G. GRCh37 (hg19) VCF-style: chr5-37120401-C-G.
Other names: c.9065G>C, p.Gly3022Ala (NM_023073.4); short protein forms G3022A, G3076A.
Identifiers: ClinVar variation 1433387 (VCV001433387.4), dbSNP rs376064818, ClinGen allele CA359494071.